The following is an entry in ClinVar:

NM_020975.6(RET):c.2414A>C (p.Glu805Ala)

Gene: RET (ret proto-oncogene; plus strand). Cytogenetic location: 10q11.21.
Variant type: single nucleotide variant.
Coding change: c.2414A>C on transcript NM_020975.6 (MANE Select); coding-DNA position 2414, A replaced by C.
Protein change: p.Glu805Ala; replaces glutamic acid 805 with alanine.
Molecular consequence: missense variant.
Genome position (GRCh38, 1-based): chr10:43,119,552, A>C. VCF-style: chr10-43119552-A-C. GRCh37 (hg19) VCF-style: chr10-43615000-A-C.
Other names: c.2414A>C, p.Glu805Ala (NM_000323.2, NM_001406743.1, NM_001406744.1 and 4 more transcripts); c.1652A>C, p.Glu551Ala (NM_001355216.2); c.2285A>C, p.Glu762Ala (NM_001406761.1, NM_001406762.1, NM_001406764.1); c.2279A>C, p.Glu760Ala (NM_001406763.1, NM_001406765.1); c.2126A>C, p.Glu709Ala (NM_001406766.1, NM_001406767.1, NM_001406770.1); c.2150A>C, p.Glu717Ala (NM_001406768.1); c.2018A>C, p.Glu673Ala (NM_001406769.1, NM_001406772.1); c.1976A>C, p.Glu659Ala (NM_001406771.1, NM_001406773.1); and 10 more; short protein forms E322A, E461A, E463A, E551A, E630A, E673A, E709A, E805A.
Identifiers: ClinVar variation 2454148 (VCV002454148.6), dbSNP rs2538561395, ClinGen allele CA376556056.
Genomic context (GRCh38, chr10:43,119,552, plus strand): 5'-CTGACCCGCACGCCCAGGGCCCCCTCTCTCCGCCCCCAGGCCCGCTCCTCCTCATCGTGG[A>C]GTACGCCAAATACGGCTCCCTGCGGGGCTTCCTCCGCGAGAGCCGCAAAGTGGGGCCTGG-3'
Protein context (NP_066124.1, residues 795-815): SQDGPLLLIV[Glu805Ala]YAKYGSLRGF

ClinVar aggregate classification (germline): Uncertain significance. Review status: criteria provided, multiple submitters, no conflicts (2 of 4 stars). 2 submissions from 2 submitters: Uncertain significance (2). Last evaluated 2025-09-29.

Conditions:
Hereditary cancer-predisposing syndrome. Also called: Neoplastic Syndromes, Hereditary; Hereditary neoplastic syndrome; Tumor predisposition; Hereditary Cancer Syndrome. Identifiers: Orphanet 140162, MedGen C0027672, MeSH D009386, MONDO:0015356.
Multiple endocrine neoplasia, type 2 (MEN2). Identifiers: Orphanet 653, MedGen C4048306, MONDO:0019003. Disease mechanism: gain of function.

Submissions (2):

Ambry Genetics
Classification: Uncertain significance for Hereditary cancer-predisposing syndrome. Last evaluated: 2025-09-29. Review status: criteria provided, single submitter. Criteria: Ambry Variant Classification Scheme 2023. Collection method: clinical testing. Allele origin: germline.
Comment: The p.E805A variant (also known as c.2414A>C), located in coding exon 14 of the RET gene, results from an A to C substitution at nucleotide position 2414. The glutamic acid at codon 805 is replaced by alanine, an amino acid with dissimilar properties. This amino acid position is highly conserved in available vertebrate species. In addition, this alteration is predicted to be deleterious by in silico analysis. Since supporting evidence is limited at this time, the clinical significance of this alteration remains unclear.

Labcorp Genetics (formerly Invitae), Labcorp
Classification: Uncertain significance for Multiple endocrine neoplasia, type 2. Last evaluated: 2023-09-12. Review status: criteria provided, single submitter. Criteria: Invitae Variant Classification Sherloc (09022015). Collection method: clinical testing. Allele origin: germline.
Comment: This variant is not present in population databases (gnomAD no frequency). In summary, the available evidence is currently insufficient to determine the role of this variant in disease. Therefore, it has been classified as a Variant of Uncertain Significance. An algorithm developed to predict the effect of missense changes on protein structure and function (PolyPhen-2) suggests that this variant is likely to be disruptive. ClinVar contains an entry for this variant (Variation ID: 2454148). This variant has not been reported in the literature in individuals affected with RET-related conditions. This sequence change replaces glutamic acid, which is acidic and polar, with alanine, which is neutral and non-polar, at codon 805 of the RET protein (p.Glu805Ala).